The following is an entry in ClinVar:

ClinVar aggregate classification (germline): Uncertain significance (1 of 4 stars; one submission).

Submission:

GeneDx
Classification: Uncertain significance. Last evaluated: 2025-07-15. Review status: criteria provided, single submitter. Criteria: GeneDx Variant Classification Process June 2021. Collection method: clinical testing. Allele origin: germline. Affected: yes.
Comment: Not observed at significant frequency in large population cohorts (gnomAD); In silico analysis supports that this missense variant has a deleterious effect on protein structure/function; Has not been previously published as pathogenic or benign to our knowledge

NM_000381.4(MID1):c.677A>T (p.Asn226Ile)

Gene: MID1 (midline 1; minus strand). Cytogenetic location: Xp22.2.
Variant type: single nucleotide variant.
Coding change: c.677A>T on transcript NM_000381.4 (MANE Select); coding-DNA position 677, A replaced by T.
Protein change: p.Asn226Ile; replaces asparagine 226 with isoleucine.
Molecular consequence: missense variant.
Genome position (GRCh38, 1-based): chrX:10,523,171, T>A on the plus strand (A>T on the coding strand, the complement: MID1 is on the minus strand). VCF-style: chrX-10523171-T-A. GRCh37 (hg19) VCF-style: chrX-10491211-T-A.
Other names: c.677A>T, p.Asn226Ile (NM_001098624.2, NM_001193277.1, NM_001193278.1 and 3 more transcripts); c.563A>T, p.Asn188Ile (NM_001193280.1, NM_033289.2); short protein forms N188I, N226I.
Identifiers: ClinVar variation 4686312 (VCV004686312.1).